The following is an entry in ClinVar:

NM_001365536.1(SCN9A):c.5247G>C (p.Leu1749=)

Genes: SCN1A-AS1 (SCN1A and SCN9A antisense RNA 1; plus strand), SCN9A (sodium voltage-gated channel alpha subunit 9; minus strand). Cytogenetic location: 2q24.3.
Variant type: single nucleotide variant.
Coding change: c.5247G>C on transcript NM_001365536.1 (MANE Select); coding-DNA position 5247, G replaced by C.
Protein change: p.Leu1749=; no amino-acid change (leucine 1749 retained).
Molecular consequence: synonymous variant.
Genome position (GRCh38, 1-based): chr2:166,199,392, C>G on the plus strand (G>C on the coding strand, the complement: SCN9A is on the minus strand). VCF-style: chr2-166199392-C-G. GRCh37 (hg19) VCF-style: chr2-167055902-C-G.
Other names: c.5214G>C, p.Leu1738= (NM_002977.4).
Identifiers: ClinVar variation 892607 (VCV000892607.8), dbSNP rs372210358, ClinGen allele CA1943702.
Genomic context (GRCh38, chr2:166,199,392, plus strand): 5'-TTCTTCAGTGGCAACACTAAAATTCTCCAGTATGACTGCAATGTACATGTTCACCACAAC[C>G]AGGAAGGATATGATGATATAACTAACAAAGTAGAATATTCCAACAGATGGGTTACCACAG-3'
Protein context (NP_001352465.1, residues 1739-1759): YFVSYIIISF[Leu1749=]VVVNMYIAVI

ClinVar aggregate classification (germline): Conflicting classifications of pathogenicity. Review status: criteria provided, conflicting classifications (1 of 4 stars). 4 submissions from 2 submitters: Uncertain significance (1); Benign (2); Likely benign (1). Last evaluated 2022-12-14.

Conditions:
Primary erythromelalgia. Also called: SCN9A Erythromelalgia (SCN9A-EM); primary erythermalgia. Identifiers: Orphanet 306577, Orphanet 90026, MedGen C0014805, MONDO:0007571, OMIM 133020.
Neuropathy, hereditary sensory and autonomic, type 2A (HSAN2A). Also called: MORVAN DISEASE; NEUROPATHY, CONGENITAL SENSORY; NEUROPATHY, HEREDITARY SENSORY RADICULAR, AUTOSOMAL RECESSIVE; NEUROPATHY, HEREDITARY SENSORY, TYPE IIA; NEUROPATHY, PROGRESSIVE SENSORY, OF CHILDREN; HSAN IIA. Identifiers: Orphanet 970, MedGen C2752089, MONDO:0024309, OMIM 201300.
Generalized epilepsy with febrile seizures plus, type 7 (GEFSP7). Also called: GEFS+, TYPE 7. Identifiers: Orphanet 36387, MedGen C2751778, MONDO:0013470, OMIM 613863.
Paroxysmal extreme pain disorder (PEXPD). Also called: PAIN, SUBMANDIBULAR, OCULAR, AND RECTAL, WITH FLUSHING; RECTAL PAIN, FAMILIAL; SCN9A Paroxysmal Extreme Pain Disorder (SCN9A-PEPD). Identifiers: Orphanet 46348, MedGen C1833661, MONDO:0008179, OMIM 167400.
Channelopathy-associated congenital insensitivity to pain, autosomal recessive. Also called: Insensitivity to pain, channelopathy-associated; ASYMBOLIA FOR PAIN; CONGENITAL ANALGESIA, AUTOSOMAL RECESSIVE. Identifiers: Orphanet 88642, Orphanet 970, MedGen C1855739, MONDO:0009459, OMIM 243000.

Allele frequency attached by ClinVar (database versions not stated): gnomAD exomes below 0.00001 and 0.00001; gnomAD 0.00001; ExAC 0.00002; TOPMed 0.00003; ESP Exome Variant Server 0.00008.
gnomAD v4.1: 7 of 1,614,050 alleles (0.00043%); highest among the groups gnomAD compares: African/African-American, 0.0093%; no homozygotes.

Submissions (4):

Labcorp Genetics (formerly Invitae), Labcorp
Classification: Likely benign for Neuropathy, hereditary sensory and autonomic, type 2A; Generalized epilepsy with febrile seizures plus, type 7. Last evaluated: 2022-12-14. Review status: criteria provided, single submitter. Criteria: Invitae Variant Classification Sherloc (09022015). Collection method: clinical testing. Allele origin: germline.

Illumina Laboratory Services, Illumina
Classification: Benign for Paroxysmal extreme pain disorder. Last evaluated: 2018-01-13. Review status: criteria provided, single submitter. Criteria: ICSL Variant Classification Criteria 13 December 2019. Collection method: clinical testing. Allele origin: germline.
Comment: This variant was observed in the ICSL laboratory as part of a predisposition screen in an ostensibly healthy population. It had not been previously curated by ICSL or reported in the Human Gene Mutation Database (HGMD: prior to June 1st, 2018), and was therefore a candidate for classification through an automated scoring system. Utilizing variant allele frequency, disease prevalence and penetrance estimates, and inheritance mode, an automated score was calculated to assess if this variant is too frequent to cause the disease. Based on the score and internal cut-off values, a variant classified as benign is not then subjected to further curation. The score for this variant resulted in a classification of benign for this disease.

Illumina Laboratory Services, Illumina
Classification: Benign for Primary erythromelalgia. Last evaluated: 2018-01-13. Review status: criteria provided, single submitter. Criteria: ICSL Variant Classification Criteria 13 December 2019. Collection method: clinical testing. Allele origin: germline.
Comment: the same text as in the submission from Illumina Laboratory Services, Illumina above.

Illumina Laboratory Services, Illumina
Classification: Uncertain significance for Channelopathy-associated congenital insensitivity to pain, autosomal recessive. Last evaluated: 2018-01-13. Review status: criteria provided, single submitter. Criteria: ICSL Variant Classification Criteria 13 December 2019. Collection method: clinical testing. Allele origin: germline.